The following is an entry in ClinVar:

ClinVar aggregate classification (germline): Likely benign. Review status: criteria provided, multiple submitters, no conflicts (2 of 4 stars). 3 submissions from 3 submitters: Likely benign (2). 1 of the submissions does not count toward it. Last evaluated 2025-10-22.

Conditions:
Neurodevelopmental disorder with microcephaly, seizures, and brain atrophy. Identifiers: MedGen C5436747, MONDO:0033662, OMIM 619076.
EXOC8-related disorder. Also called: EXOC8-related condition.

Allele frequency attached by ClinVar (database versions not stated): 1000 Genomes Project 0.00080; gnomAD 0.00198; TOPMed 0.00234; ESP Exome Variant Server 0.00246.
gnomAD v4.1: 4,895 of 1,613,874 alleles (0.3%); highest among the groups gnomAD compares: Non-Finnish European, 0.37%; 9 homozygotes.

Submissions (3):

Labcorp Genetics (formerly Invitae), Labcorp
Classification: Likely benign. Last evaluated: 2025-10-22. Review status: criteria provided, single submitter. Criteria: Invitae Variant Classification Sherloc (09022015). Collection method: clinical testing. Allele origin: germline.

Fulgent Genetics
Classification: Likely benign for Neurodevelopmental disorder with microcephaly, seizures, and brain atrophy. Last evaluated: 2022-02-03. Review status: criteria provided, single submitter. Criteria: ACMG Guidelines, 2015. Collection method: clinical testing. Allele origin: unknown.

PreventionGenetics, part of Exact Sciences
Classification: Likely benign for EXOC8-related condition. Last evaluated: 2022-02-17. Review status: no assertion criteria provided. Collection method: clinical testing. Allele origin: germline. Not counted in ClinVar's aggregate classification.
Comment: This variant is classified as likely benign based on ACMG/AMP sequence variant interpretation guidelines (Richards et al. 2015 PMID: 25741868, with internal and published modifications).

NM_175876.5(EXOC8):c.955G>C (p.Glu319Gln)

Gene: EXOC8 (exocyst complex component 8; minus strand). Cytogenetic location: 1q42.2.
Variant type: single nucleotide variant.
Coding change: c.955G>C on transcript NM_175876.5 (MANE Select); coding-DNA position 955, G replaced by C.
Protein change: p.Glu319Gln; replaces glutamic acid 319 with glutamine.
Molecular consequence: missense variant.
Genome position (GRCh38, 1-based): chr1:231,336,791, C>G on the plus strand (G>C on the coding strand, the complement: EXOC8 is on the minus strand). VCF-style: chr1-231336791-C-G. GRCh37 (hg19) VCF-style: chr1-231472537-C-G.
Other names: short protein forms E319Q.
Identifiers: ClinVar variation 711666 (VCV000711666.11), dbSNP rs144793875, ClinGen allele CA1452395.